The following is an entry in ClinVar:

ClinVar aggregate classification (germline): Uncertain significance (1 of 4 stars; one submission).

Conditions:
Familial adenomatous polyposis 1 (FAP1). Also called: POLYPOSIS, ADENOMATOUS INTESTINAL; FAMILIAL ADENOMATOUS POLYPOSIS 1, ATTENUATED. Identifiers: MedGen C2713442, MONDO:0021056, OMIM 175100. Disease mechanism: loss of function.

Submission:

Labcorp Genetics (formerly Invitae), Labcorp
Classification: Uncertain significance for Familial adenomatous polyposis 1. Last evaluated: 2022-05-08. Review status: criteria provided, single submitter. Criteria: Invitae Variant Classification Sherloc (09022015). Collection method: clinical testing. Allele origin: germline.
Comment: This sequence change replaces threonine, which is neutral and polar, with lysine, which is basic and polar, at codon 2495 of the APC protein (p.Thr2495Lys). This variant is not present in population databases (gnomAD no frequency). This variant has not been reported in the literature in individuals affected with APC-related conditions. Algorithms developed to predict the effect of missense changes on protein structure and function are either unavailable or do not agree on the potential impact of this missense change (SIFT: "Deleterious"; PolyPhen-2: "Benign"; Align-GVGD: "Class C0"). In summary, the available evidence is currently insufficient to determine the role of this variant in disease. Therefore, it has been classified as a Variant of Uncertain Significance.

NM_000038.6(APC):c.7484C>A (p.Thr2495Lys)

Gene: APC (APC regulator of Wnt signaling pathway; plus strand). Cytogenetic location: 5q22.2.
Variant type: single nucleotide variant.
Coding change: c.7484C>A on transcript NM_000038.6 (MANE Select); coding-DNA position 7484, C replaced by A.
Protein change: p.Thr2495Lys; replaces threonine 2495 with lysine.
Molecular consequence: missense variant.
Genome position (GRCh38, 1-based): chr5:112,843,078, C>A. VCF-style: chr5-112843078-C-A. GRCh37 (hg19) VCF-style: chr5-112178775-C-A.
Other names: c.7484C>A, p.Thr2495Lys (NM_001127510.3, NM_001354895.2, NM_001407450.1); c.7430C>A, p.Thr2477Lys (NM_001127511.3); c.7538C>A, p.Thr2513Lys (NM_001354896.2, NM_001407447.1, NM_001407448.1 and 1 more transcripts); c.7514C>A, p.Thr2505Lys (NM_001354897.2); c.7409C>A, p.Thr2470Lys (NM_001354898.2); c.7400C>A, p.Thr2467Lys (NM_001354899.2); c.7361C>A, p.Thr2454Lys (NM_001354900.2); c.7307C>A, p.Thr2436Lys (NM_001354901.2, NM_001407453.1); and 11 more; short protein forms T2404K, T2412K, T2513K, T2212K, T2369K, T2394K, T2454K, T2485K.
Identifiers: ClinVar variation 1970222 (VCV001970222.5), dbSNP rs1766490452, ClinGen allele CA16037609.